The following is an entry in ClinVar:

ClinVar aggregate classification (germline): Likely benign (1 of 4 stars; one submission).

Submission:

Mayo Clinic Laboratories, Mayo Clinic
Classification: Likely benign. Last evaluated: 2025-09-11. Review status: criteria provided, single submitter. Criteria: ACMG Guidelines, 2015. Collection method: clinical testing. Allele origin: germline. Observed: 1 variant allele.
Comment: BP4, BP7, PM2_supporting

NM_001099274.3(TINF2):c.1227T>G (p.Ser409=)

Gene: TINF2 (TERF1 interacting nuclear factor 2; minus strand). Cytogenetic location: 14q12.
Variant type: single nucleotide variant.
Coding change: c.1227T>G on transcript NM_001099274.3 (MANE Select); coding-DNA position 1227, T replaced by G.
Protein change: p.Ser409=; no amino-acid change (serine 409 retained).
Molecular consequence: synonymous variant. On other transcripts: 3 prime UTR variant (1).
Genome position (GRCh38, 1-based): chr14:24,239,926, A>C on the plus strand (T>G on the coding strand, the complement: TINF2 is on the minus strand). VCF-style: chr14-24239926-A-C. GRCh37 (hg19) VCF-style: chr14-24709132-A-C.
Other names: p.Ser409=; c.1122T>G, p.Ser374= (NM_001363668.2); c.*489T>G (NM_012461.3).
Identifiers: ClinVar variation 4683845 (VCV004683845.1).